The following is an entry in ClinVar:

ClinVar aggregate classification (germline): Uncertain significance (1 of 4 stars; one submission).

Submission:

CeGaT Center for Human Genetics Tuebingen
Classification: Uncertain significance. Last evaluated: 2025-05-01. Review status: criteria provided, single submitter. Criteria: CeGaT Center For Human Genetics Tuebingen Variant Classification Criteria Version 2. Collection method: clinical testing. Allele origin: germline. Affected: yes. Observed: 1 variant allele.
Comment: SHANK3: PM2

NM_001372044.2(SHANK3):c.101C>T (p.Pro34Leu)

Gene: SHANK3 (SH3 and multiple ankyrin repeat domains 3; plus strand). Cytogenetic location: 22q13.33.
Variant type: single nucleotide variant.
Coding change: c.101C>T on transcript NM_001372044.2 (MANE Select); coding-DNA position 101, C replaced by T.
Protein change: p.Pro34Leu; replaces proline 34 with leucine.
Molecular consequence: missense variant.
Genome position (GRCh38, 1-based): chr22:50,674,515, C>T. VCF-style: chr22-50674515-C-T. GRCh37 (hg19) VCF-style: chr22-51112943-C-T.
Other names: short protein forms P34L.
Identifiers: ClinVar variation 3906098 (VCV003906098.10).